The following is an entry in ClinVar:

ClinVar aggregate classification (germline): Likely benign. Review status: criteria provided, single submitter (1 of 4 stars). 2 submissions from 2 submitters: Likely benign (1). 1 of the submissions does not count toward it. Last evaluated 2026-01-21.

Conditions:
KIF5A-related disorder. Also called: KIF5A-related condition; KIF5A-related disorders.
Spastic paraplegia. Identifiers: MedGen C0037772, HP:0001258.

Allele frequency attached by ClinVar (database versions not stated): gnomAD exomes 0.00001.
gnomAD v4.1: 14 of 1,613,090 alleles (0.00087%); highest among the groups gnomAD compares: Non-Finnish European, 0.0012%; no homozygotes.

Submissions (2):

Labcorp Genetics (formerly Invitae), Labcorp
Classification: Likely benign for Spastic paraplegia. Last evaluated: 2026-01-21. Review status: criteria provided, single submitter. Criteria: Invitae Variant Classification Sherloc (09022015). Collection method: clinical testing. Allele origin: germline.

PreventionGenetics, part of Exact Sciences
Classification: Likely benign for KIF5A-related condition. Last evaluated: 2024-07-11. Review status: no assertion criteria provided. Collection method: clinical testing. Allele origin: germline. Not counted in ClinVar's aggregate classification.
Comment: This variant is classified as likely benign based on ACMG/AMP sequence variant interpretation guidelines (Richards et al. 2015 PMID: 25741868, with internal and published modifications).

NM_004984.4(KIF5A):c.1371G>A (p.Val457=)

Gene: KIF5A (kinesin family member 5A; plus strand). Cytogenetic location: 12q13.3.
Variant type: single nucleotide variant.
Coding change: c.1371G>A on transcript NM_004984.4 (MANE Select); coding-DNA position 1371, G replaced by A.
Protein change: p.Val457=; no amino-acid change (valine 457 retained).
Molecular consequence: synonymous variant.
Genome position (GRCh38, 1-based): chr12:57,572,069, G>A. VCF-style: chr12-57572069-G-A. GRCh37 (hg19) VCF-style: chr12-57965852-G-A.
Other names: c.1104G>A, p.Val368= (NM_001354705.2); c.1371G>A (NM_004984.2).
Identifiers: ClinVar variation 1633480 (VCV001633480.10), dbSNP rs1173503363, ClinGen allele CA480264661.